The following is an entry in ClinVar:

NM_000038.6(APC):c.1958+29_1958+30del

Gene: APC (APC regulator of Wnt signaling pathway; plus strand). Cytogenetic location: 5q22.2.
Variant type: Deletion.
Coding change: c.1958+29_1958+30del on transcript NM_000038.6 (MANE Select); bases 29 to 30 of the intron after coding-DNA position 1958, 2 bases deleted (AA; older notation c.1958+29_1958+30delAA).
Molecular consequence: intron variant.
Genome position (GRCh38, 1-based): chr5:112,835,194-112,835,195, AA deleted; deleting any 2 consecutive bases within chr5:112,835,193-112,835,195 gives the same sequence; the c. name uses the placement nearest the transcript's 3' end. VCF-style (leftmost placement, unchanged base first): chr5-112835192-TAA-T. GRCh37 (hg19) VCF-style: chr5-112170889-TAA-T.
Other names: c.1109+29_1109+30del (NM_001407470.1, NM_001354906.2); c.806+29_806+30del (NM_001407472.1, NM_001407471.1); c.2012+29_2012+30del (NM_001407447.1, NM_001407448.1, NM_001407449.1 and 1 more transcripts); c.1958+29_1958+30del (NM_001354895.2, NM_001407450.1, NM_001127510.3); c.1709+29_1709+30del (NM_001407456.1, NM_001407457.1, NM_001407455.1 and 1 more transcripts); c.1655+29_1655+30del (NM_001407460.1, NM_001407458.1, NM_001407459.1 and 1 more transcripts); c.1928+29_1928+30del (NM_001407452.1); c.1571+29_1571+30del (NM_001407469.1, NM_001407467.1); and 11 more.
Identifiers: ClinVar variation 3148203 (VCV003148203.1), dbSNP rs1764750400, ClinGen allele CA2825001362.

ClinVar aggregate classification (germline): Benign (1 of 4 stars; one submission).

Conditions:
Familial adenomatous polyposis 1 (FAP1). Also called: POLYPOSIS, ADENOMATOUS INTESTINAL; FAMILIAL ADENOMATOUS POLYPOSIS 1, ATTENUATED. Identifiers: MedGen C2713442, MONDO:0021056, OMIM 175100. Disease mechanism: loss of function.

Submission:

Myriad Genetics, Inc.
Classification: Benign for Familial adenomatous polyposis 1. Last evaluated: 2024-03-08. Review status: criteria provided, single submitter. Criteria: Myriad Autosomal Dominant, Autosomal Recessive and X-Linked Classification Criteria (2023). Collection method: clinical testing. Allele origin: unknown.
Comment: This variant is considered benign. This variant is intronic and is not expected to impact mRNA splicing.